The following is an entry in ClinVar:

NM_001165963.4(SCN1A):c.4002+2361C>T

Genes: SCN1A (sodium voltage-gated channel alpha subunit 1; minus strand), LOC102724058 (uncharacterized LOC102724058; plus strand). Cytogenetic location: 2q24.3.
Variant type: single nucleotide variant.
Coding change: c.4002+2361C>T on transcript NM_001165963.4 (MANE Select); 2361 bases into the intron after coding-DNA position 4002, C replaced by T.
Molecular consequence: intron variant.
Genome position (GRCh38, 1-based): chr2:166,007,358, G>A on the plus strand (C>T on the coding strand, the complement: SCN1A is on the minus strand). VCF-style: chr2-166007358-G-A. GRCh37 (hg19) VCF-style: chr2-166863868-G-A.
Other names: c.3969+2361C>T (NM_001353949.2, NM_001353950.2, NM_001353951.2 and 2 more transcripts); c.3918+2361C>T (NM_001353958.2, NM_001353957.2, NM_001165964.3); c.4002+2361C>T (NM_001202435.3, NM_001353948.2); c.3966+2361C>T (NM_001353955.2, NM_001353954.2); c.3915+2361C>T (NM_001353960.2); c.1560+2361C>T (NM_001353961.2).
Identifiers: ClinVar variation 1619002 (VCV001619002.9), dbSNP rs2105547851, ClinGen allele CA2573133062.

ClinVar aggregate classification (germline): Uncertain significance (1 of 4 stars; one submission).

Conditions:
Early-infantile DEE. Also called: Ohtahara syndrome; Early infantile epileptic encephalopathy with suppression bursts; Early infantile epileptic encephalopathy. Identifiers: Orphanet 1934, MedGen C0393706, MONDO:0800491.

Submission:

Labcorp Genetics (formerly Invitae), Labcorp
Classification: Uncertain significance for Early-infantile DEE. Last evaluated: 2025-07-02. Review status: criteria provided, single submitter. Criteria: Invitae Variant Classification Sherloc (09022015). Collection method: clinical testing. Allele origin: germline.
Comment: This sequence change falls in intron 20 of the SCN1A gene. It does not directly change the encoded amino acid sequence of the SCN1A protein. However, this sequence change falls within a region encompassing a cryptic exon in the SCN1A gene, in which variants have been shown to alter splicing (PMID: 30526861, 34107977). This variant is not present in population databases (gnomAD no frequency). This variant has been observed in individual(s) with clinical features of developmental and epileptic encephalopathy (internal data). ClinVar contains an entry for this variant (Variation ID: 1619002). Algorithms developed to predict the effect of sequence changes on RNA splicing suggest that this variant is not likely to affect RNA splicing. In summary, the available evidence is currently insufficient to determine the role of this variant in disease. Therefore, it has been classified as a Variant of Uncertain Significance.

Literature cited by the submitters: PubMed 30526861; PubMed 34107977.